The following is an entry in ClinVar:

NM_007194.4(CHEK2):c.1396T>G (p.Leu466Val)

Gene: CHEK2 (checkpoint kinase 2; minus strand). Cytogenetic location: 22q12.1.
Variant type: single nucleotide variant.
Coding change: c.1396T>G on transcript NM_007194.4 (MANE Select); coding-DNA position 1396, T replaced by G.
Protein change: p.Leu466Val; replaces leucine 466 with valine.
Molecular consequence: missense variant.
Genome position (GRCh38, 1-based): chr22:28,694,097, A>C on the plus strand (T>G on the coding strand, the complement: CHEK2 is on the minus strand). VCF-style: chr22-28694097-A-C. GRCh37 (hg19) VCF-style: chr22-29090085-A-C.
Other names: c.1525T>G, p.Leu509Val (NM_001005735.3); c.733T>G, p.Leu245Val (NM_001257387.3); c.1195T>G, p.Leu399Val (NM_001349956.3); c.1309T>G, p.Leu437Val (NM_145862.3); short protein forms L466V, L509V, L437V, L245V, L399V.
Identifiers: ClinVar variation 575924 (VCV000575924.8), dbSNP rs1569110400, ClinGen allele CA411094429.

ClinVar aggregate classification (germline): Uncertain significance (1 of 4 stars; one submission).

Conditions:
Familial cancer of breast. Also called: hereditary breast carcinoma; BREAST CANCER, FAMILIAL; Hereditary breast cancer. Identifiers: Orphanet 227535, MedGen C0346153, MONDO:0016419, OMIM 114480. Disease mechanism: loss of function.

Submission:

Labcorp Genetics (formerly Invitae), Labcorp
Classification: Uncertain significance for Familial cancer of breast. Last evaluated: 2022-05-27. Review status: criteria provided, single submitter. Criteria: Invitae Variant Classification Sherloc (09022015). Collection method: clinical testing. Allele origin: germline.
Comment: Algorithms developed to predict the effect of sequence changes on RNA splicing suggest that this variant may create or strengthen a splice site. Algorithms developed to predict the effect of missense changes on protein structure and function are either unavailable or do not agree on the potential impact of this missense change (SIFT: "Deleterious"; PolyPhen-2: "Probably Damaging"; Align-GVGD: "Class C0"). ClinVar contains an entry for this variant (Variation ID: 575924). This variant has not been reported in the literature in individuals affected with CHEK2-related conditions. This variant is not present in population databases (gnomAD no frequency). This sequence change replaces leucine, which is neutral and non-polar, with valine, which is neutral and non-polar, at codon 466 of the CHEK2 protein (p.Leu466Val). In summary, the available evidence is currently insufficient to determine the role of this variant in disease. Therefore, it has been classified as a Variant of Uncertain Significance.